The following is an entry in ClinVar:

NM_015178.3(RHOBTB2):c.1660G>A (p.Val554Met)

Gene: RHOBTB2 (Rho related BTB domain containing 2; plus strand). Cytogenetic location: 8p21.3.
Variant type: single nucleotide variant.
Coding change: c.1660G>A on transcript NM_015178.3 (MANE Select); coding-DNA position 1660, G replaced by A.
Protein change: p.Val554Met; replaces valine 554 with methionine.
Molecular consequence: missense variant.
Genome position (GRCh38, 1-based): chr8:23,010,577, G>A. VCF-style: chr8-23010577-G-A. GRCh37 (hg19) VCF-style: chr8-22868090-G-A.
Other names: c.1726G>A, p.Val576Met (NM_001160036.2); c.1681G>A, p.Val561Met (NM_001160037.2); c.1660G>A, p.Val554Met (NM_001374791.1); c.1726G>A (NM_001160036.1); short protein forms V576M, V554M, V561M.
Identifiers: ClinVar variation 1983501 (VCV001983501.13), dbSNP rs747011587, ClinGen allele CA4672731.

ClinVar aggregate classification (germline): Conflicting classifications of pathogenicity. Review status: criteria provided, conflicting classifications (1 of 4 stars). 4 submissions from 4 submitters: Uncertain significance (1); Benign (1); Likely benign (2). Last evaluated 2025-09-01.

Conditions:
Developmental and epileptic encephalopathy, 64. Also called: EPILEPTIC ENCEPHALOPATHY, EARLY INFANTILE, 64. Identifiers: MedGen C4693899, MONDO:0033373, OMIM 618004.
Inborn genetic diseases. Identifiers: MedGen C0950123, MeSH D030342.

Allele frequency attached by ClinVar (database versions not stated): ExAC 0.00002; gnomAD 0.00002; TOPMed 0.00002; gnomAD exomes 0.00003.
gnomAD v4.1: 53 of 1,613,922 alleles (0.0033%); highest among the groups gnomAD compares: Non-Finnish European, 0.0041%; no homozygotes.

Submissions (4):

CeGaT Center for Human Genetics Tuebingen
Classification: Likely benign. Last evaluated: 2025-09-01. Review status: criteria provided, single submitter. Criteria: CeGaT Center For Human Genetics Tuebingen Variant Classification Criteria Version 2. Collection method: clinical testing. Allele origin: germline. Affected: yes. Observed: 1 variant allele.
Comment: RHOBTB2: BS1

Labcorp Genetics (formerly Invitae), Labcorp
Classification: Benign. Last evaluated: 2025-08-25. Review status: criteria provided, single submitter. Criteria: Invitae Variant Classification Sherloc (09022015). Collection method: clinical testing. Allele origin: germline.

Revvity Omics, Revvity
Classification: Uncertain significance for Developmental and epileptic encephalopathy, 64. Last evaluated: 2024-08-02. Review status: criteria provided, single submitter. Criteria: ACMG Guidelines, 2015. Collection method: clinical testing. Allele origin: germline.

Ambry Genetics
Classification: Likely benign for Inborn genetic diseases. Last evaluated: 2023-12-17. Review status: criteria provided, single submitter. Criteria: Ambry Variant Classification Scheme 2023. Collection method: clinical testing. Allele origin: germline.